The following is an entry in ClinVar:

ClinVar aggregate classification (germline): Uncertain significance. Review status: criteria provided, multiple submitters, no conflicts (2 of 4 stars). 2 submissions from 2 submitters: Uncertain significance (2). Last evaluated 2025-10-05.

Conditions:
Hereditary cancer-predisposing syndrome. Also called: Hereditary Cancer Syndrome; Tumor predisposition; Hereditary neoplastic syndrome; Neoplastic Syndromes, Hereditary. Identifiers: Orphanet 140162, MedGen C0027672, MeSH D009386, MONDO:0015356.

gnomAD v4.1: 1 of 1,614,048 alleles (0.000062%); highest among the groups gnomAD compares: Non-Finnish European, 0.000085%; no homozygotes.

Submissions (2):

Labcorp Genetics (formerly Invitae), Labcorp
Classification: Uncertain significance. Last evaluated: 2025-10-05. Review status: criteria provided, single submitter. Criteria: Invitae Variant Classification Sherloc (09022015). Collection method: clinical testing. Allele origin: germline.
Comment: This sequence change replaces threonine, which is neutral and polar, with asparagine, which is neutral and polar, at codon 56 of the FH protein (p.Thr56Asn). This variant is not present in population databases (gnomAD no frequency). This variant has not been reported in the literature in individuals affected with FH-related conditions. ClinVar contains an entry for this variant (Variation ID: 1417494). Invitae Evidence Modeling of protein sequence and biophysical properties (such as structural, functional, and spatial information, amino acid conservation, physicochemical variation, residue mobility, and thermodynamic stability) indicates that this missense variant is expected to disrupt FH protein function with a positive predictive value of 95%. In summary, the available evidence is currently insufficient to determine the role of this variant in disease. Therefore, it has been classified as a Variant of Uncertain Significance.

Ambry Genetics
Classification: Uncertain significance for Hereditary cancer-predisposing syndrome. Last evaluated: 2025-08-20. Review status: criteria provided, single submitter. Criteria: Ambry Variant Classification Scheme 2023. Collection method: clinical testing. Allele origin: germline.
Comment: The p.T56N variant (also known as c.167C>A), located in coding exon 2 of the FH gene, results from a C to A substitution at nucleotide position 167. The threonine at codon 56 is replaced by asparagine, an amino acid with similar properties. This amino acid position is conserved. In addition, the in silico prediction for this alteration is inconclusive. Based on the available evidence, the clinical significance of this variant remains unclear.

NM_000143.4(FH):c.167C>A (p.Thr56Asn)

Gene: FH (fumarate hydratase; minus strand). Cytogenetic location: 1q43.
Variant type: single nucleotide variant.
Coding change: c.167C>A on transcript NM_000143.4 (MANE Select); coding-DNA position 167, C replaced by A.
Protein change: p.Thr56Asn; replaces threonine 56 with asparagine.
Molecular consequence: missense variant.
Genome position (GRCh38, 1-based): chr1:241,517,282, G>T on the plus strand (C>A on the coding strand, the complement: FH is on the minus strand). VCF-style: chr1-241517282-G-T. GRCh37 (hg19) VCF-style: chr1-241680582-G-T.
Other names: c.167C>A (NM_000143.3); short protein forms T56N.
Identifiers: ClinVar variation 1417494 (VCV001417494.7), dbSNP rs1433872618, ClinGen allele CA345441955.